The following is an entry in ClinVar:

NM_001242896.3(DEPDC5):c.3436C>G (p.Gln1146Glu)

Gene: DEPDC5 (DEP domain containing 5, GATOR1 subcomplex subunit; plus strand). Cytogenetic location: 22q12.3.
Variant type: single nucleotide variant.
Coding change: c.3436C>G on transcript NM_001242896.3 (MANE Select); coding-DNA position 3436, C replaced by G.
Protein change: p.Gln1146Glu; replaces glutamine 1146 with glutamic acid.
Molecular consequence: missense variant. On other transcripts: non-coding transcript variant (5).
Genome position (GRCh38, 1-based): chr22:31,870,695, C>G. VCF-style: chr22-31870695-C-G. GRCh37 (hg19) VCF-style: chr22-32266681-C-G.
Other names: c.3409C>G, p.Gln1137Glu (NM_001136029.4); c.3136C>G, p.Gln1046Glu (NM_001242897.2); c.3370C>G, p.Gln1124Glu (NM_001363852.2, NM_001364320.2); c.3202C>G, p.Gln1068Glu (NM_001363854.2, NM_001364319.2); c.3436C>G, p.Gln1146Glu (NM_001364318.2); c.3352C>G, p.Gln1118Glu (NM_001369901.1, NM_001369902.1); c.3343C>G, p.Gln1115Glu (NM_001369903.1, NM_014662.6); short protein forms Q1046E, Q1118E, Q1068E, Q1124E, Q1115E, Q1137E, Q1146E.
Identifiers: ClinVar variation 2841597 (VCV002841597.3), dbSNP rs2092816377, ClinGen allele CA411296775.

ClinVar aggregate classification (germline): Uncertain significance (1 of 4 stars; one submission).

Conditions:
Familial focal epilepsy with variable foci (FPEVF). Identifiers: Orphanet 98820, MedGen C1858477, MONDO:0020310.

Submission:

Labcorp Genetics (formerly Invitae), Labcorp
Classification: Uncertain significance for Familial focal epilepsy with variable foci. Last evaluated: 2023-02-28. Review status: criteria provided, single submitter. Criteria: Invitae Variant Classification Sherloc (09022015). Collection method: clinical testing. Allele origin: germline.
Comment: In summary, the available evidence is currently insufficient to determine the role of this variant in disease. Therefore, it has been classified as a Variant of Uncertain Significance. Experimental studies and prediction algorithms are not available or were not evaluated, and the functional significance of this variant is currently unknown. This variant has not been reported in the literature in individuals affected with DEPDC5-related conditions. This variant is not present in population databases (gnomAD no frequency). This sequence change replaces glutamine, which is neutral and polar, with glutamic acid, which is acidic and polar, at codon 1146 of the DEPDC5 protein (p.Gln1146Glu).